The following is an entry in ClinVar:

ClinVar aggregate classification (germline): Uncertain significance (1 of 4 stars; one submission).

Allele frequency attached by ClinVar (database versions not stated): gnomAD 0.00001.
gnomAD v4.1: 1 of 1,209,049 alleles (0.000083%); highest among the groups gnomAD compares: Admixed American, 0.0022%; no homozygotes.

Submission:

GeneDx
Classification: Uncertain significance. Last evaluated: 2026-08-06. Review status: criteria provided, single submitter. Criteria: GeneDx Variant Classification Process June 2021. Collection method: clinical testing. Allele origin: germline.
Comment: Has not been previously published as pathogenic or benign to our knowledge; In silico analysis suggests that this missense variant does not alter protein structure/function

NM_014271.4(IL1RAPL1):c.1702A>G (p.Thr568Ala)

Gene: IL1RAPL1 (interleukin 1 receptor accessory protein like 1; plus strand). Cytogenetic location: Xp21.2.
Variant type: single nucleotide variant.
Coding change: c.1702A>G on transcript NM_014271.4 (MANE Select); coding-DNA position 1702, A replaced by G.
Protein change: p.Thr568Ala; replaces threonine 568 with alanine.
Molecular consequence: missense variant.
Genome position (GRCh38, 1-based): chrX:29,955,431, A>G. VCF-style: chrX-29955431-A-G. GRCh37 (hg19) VCF-style: chrX-29973548-A-G.
Other names: short protein forms T568A.
Identifiers: ClinVar variation 2503278 (VCV002503278.2), dbSNP rs1383149888, ClinGen allele CA412634849.
Genomic context (GRCh38, chrX:29,955,431, plus strand): 5'-AACTCCAAGTTCTGGAAACGTTTACAGTATGAAATGCCTTTTAAGAGGATAGAACCCATT[A>G]CACATGAGCAGGCTTTAGATGTCAGTGAGCAAGGGCCTTTTGGGGAGCTGCAGACTGTCT-3'
Protein context (NP_055086.1, residues 558-578): EMPFKRIEPI[Thr568Ala]HEQALDVSEQ